The following is an entry in ClinVar:

NM_021830.5(TWNK):c.699del (p.Ser232_Tyr233insTer)

Gene: TWNK (twinkle mtDNA helicase; plus strand). Cytogenetic location: 10q24.31.
Variant type: Deletion.
Coding change: c.699del on transcript NM_021830.5 (MANE Select); coding-DNA position 699, one base deleted (C; older notation c.699delC).
Protein change: p.Ser232_Tyr233insTer.
Molecular consequence: nonsense. On other transcripts: non-coding transcript variant (4), intron variant (3).
Genome position (GRCh38, 1-based): chr10:100,988,909, C deleted. VCF-style (leftmost placement, unchanged base first): chr10-100988908-AC-A. GRCh37 (hg19) VCF-style: chr10-102748665-AC-A.
Other names: c.699del, p.Ser232_Tyr233insTer (NM_001163812.2); c.-119-735del (NM_001163814.2, NM_001163813.2); c.-57-797del (NM_001368275.1).
Identifiers: ClinVar variation 3648325 (VCV003648325.2).

ClinVar aggregate classification (germline): Pathogenic (1 of 4 stars; one submission).

Submission:

Labcorp Genetics (formerly Invitae), Labcorp
Classification: Pathogenic. Last evaluated: 2024-04-23. Review status: criteria provided, single submitter. Criteria: Invitae Variant Classification Sherloc (09022015). Collection method: clinical testing. Allele origin: germline.
Comment: This sequence change creates a premature translational stop signal (p.Tyr233*) in the TWNK gene. It is expected to result in an absent or disrupted protein product. Loss-of-function variants in TWNK are known to be pathogenic (PMID: 21681116, 27551684, 31455392). This variant is present in population databases (rs747220236, gnomAD 0.0009%). This variant has not been reported in the literature in individuals affected with TWNK-related conditions. For these reasons, this variant has been classified as Pathogenic.

Literature cited by the submitters: PubMed 21681116; PubMed 27551684; PubMed 31455392.